The following is an entry in ClinVar:

ClinVar aggregate classification (germline): Conflicting classifications of pathogenicity. Review status: criteria provided, conflicting classifications (1 of 4 stars). 7 submissions from 7 submitters: Uncertain significance (5); Likely benign (1). 1 of the submissions does not count toward it. Last evaluated 2025-12-21.

Conditions:
Dilated cardiomyopathy 1G (CMD1G). Identifiers: Orphanet 154, MedGen C1858763, MONDO:0011400, OMIM 604145.
Autosomal recessive limb-girdle muscular dystrophy type 2J (LGMDR10). Also called: MUSCULAR DYSTROPHY, LIMB-GIRDLE, AUTOSOMAL RECESSIVE 10; Limb-girdle muscular dystrophy, type 2J. Identifiers: Orphanet 140922, MedGen C1837342, MONDO:0012127, OMIM 608807.
TTN-related disorder. Also called: TTN-related disorders; TTN-related condition; TTN-related disease.

Allele frequency attached by ClinVar (database versions not stated): ExAC 0.00003; TOPMed 0.00003; gnomAD exomes 0.00004; gnomAD 0.00005 and 0.00006.
gnomAD v4.1: 68 of 1,613,822 alleles (0.0042%); highest among the groups gnomAD compares: African/African-American, 0.016%; no homozygotes.

Submissions (7):

Labcorp Genetics (formerly Invitae), Labcorp
Classification: Uncertain significance for Dilated cardiomyopathy 1G; Autosomal recessive limb-girdle muscular dystrophy type 2J. Last evaluated: 2025-12-21. Review status: criteria provided, single submitter. Criteria: Invitae Variant Classification Sherloc (09022015). Collection method: clinical testing. Allele origin: germline.
Comment: This sequence change replaces isoleucine, which is neutral and non-polar, with threonine, which is neutral and polar, at codon 34133 of the TTN protein (p.Ile34133Thr). This variant is present in population databases (rs764179161, gnomAD 0.02%). This variant has not been reported in the literature in individuals affected with TTN-related conditions. ClinVar contains an entry for this variant (Variation ID: 596390). Experimental studies and prediction algorithms are not available or were not evaluated, and the functional significance of this variant is currently unknown. This variant is located in the M band of TTN (PMID: 25589632). Non-truncating variants in this region may be relevant for neuromuscular disorders, but have not been definitively shown to cause cardiomyopathy (PMID: 23975875). In summary, the available evidence is currently insufficient to determine the role of this variant in disease. Therefore, it has been classified as a Variant of Uncertain Significance.

Molecular Diagnostic Laboratory for Inherited Cardiovascular Disease, Montreal Heart Institute
Classification: Likely benign. Last evaluated: 2025-04-09. Review status: criteria provided, single submitter. Criteria: ACMG Guidelines, 2015. Collection method: clinical testing. Allele origin: germline. Affected: no.
Comment: BP1

Mayo Clinic Laboratories, Mayo Clinic
Classification: Uncertain significance. Last evaluated: 2024-05-30. Review status: criteria provided, single submitter. Criteria: ACMG Guidelines, 2015. Collection method: clinical testing. Allele origin: germline. Observed: 1 variant allele.
Comment: BP4, PM2

Revvity Omics, Revvity
Classification: Uncertain significance. Last evaluated: 2022-08-22. Review status: criteria provided, single submitter. Criteria: ACMG Guidelines, 2015. Collection method: clinical testing. Allele origin: germline.

Women's Health and Genetics/Laboratory Corporation of America, LabCorp
Classification: Uncertain significance. Last evaluated: 2022-03-09. Review status: criteria provided, single submitter. Criteria: LabCorp Variant Classification Summary - May 2015. Collection method: clinical testing. Allele origin: germline.
Comment: Variant summary: TTN c.94694T>C (p.Ile31565Thr) results in a non-conservative amino acid change located in the M-band region (100% PSI score, corresponding to a constitutively expressed exon) of the encoded protein sequence. Three of five in-silico tools predict a damaging effect of the variant on protein function. The variant allele was found at a frequency of 3.6e-05 in 249066 control chromosomes. The available data on variant occurrences in the general population are insufficient to allow any conclusion about variant significance. These report(s) do not provide unequivocal conclusions about association of the variant with Hypertrophic/Dilated Cardiomyopathy/Limb-Girdle Muscular Dystrophy, Type 2J. To our knowledge, no experimental evidence demonstrating an impact on protein function has been reported. Two clinical diagnostic laboratories have submitted clinical-significance assessments for this variant to ClinVar after 2014 without evidence for independent evaluation. All laboratories classified the variant as uncertain significance. Based on the evidence outlined above, the variant was classified as uncertain significance.

Eurofins Ntd Llc (ga)
Classification: Uncertain significance. Last evaluated: 2018-03-15. Review status: criteria provided, single submitter. Criteria: EGL ClinVar v180209 classification definitions. Collection method: clinical testing. Allele origin: germline. Observed: 1 variant allele, 1 heterozygote.

PreventionGenetics, part of Exact Sciences
Classification: Uncertain significance for TTN-related condition. Last evaluated: 2023-11-07. Review status: no assertion criteria provided. Collection method: clinical testing. Allele origin: germline. Not counted in ClinVar's aggregate classification.
Comment: The TTN c.102398T>C variant is predicted to result in the amino acid substitution p.Ile34133Thr. To our knowledge, this variant has not been reported in the literature. This variant is reported in 0.021% of alleles in individuals of African descent in gnomAD. At this time, the clinical significance of this variant is uncertain due to the absence of conclusive functional and genetic evidence.

Literature cited by the submitters: PubMed 25589632 (cited by Labcorp Genetics (formerly Invitae), Labcorp); PubMed 23975875 (cited by Labcorp Genetics (formerly Invitae), Labcorp); PubMed 30025578 (cited by Mayo Clinic Laboratories, Mayo Clinic and Women's Health and Genetics/Laboratory Corporation of America, LabCorp).

NM_001267550.2(TTN):c.102398T>C (p.Ile34133Thr)

Genes: TTN-AS1 (TTN antisense RNA 1; plus strand), TTN (titin; minus strand). Cytogenetic location: 2q31.2.
Variant type: single nucleotide variant.
Coding change: c.102398T>C on transcript NM_001267550.2 (MANE Select); coding-DNA position 102398, T replaced by C.
Protein change: p.Ile34133Thr; replaces isoleucine 34133 with threonine.
Molecular consequence: missense variant.
Genome position (GRCh38, 1-based): chr2:178,534,217, A>G on the plus strand (T>C on the coding strand, the complement: TTN is on the minus strand). VCF-style: chr2-178534217-A-G. GRCh37 (hg19) VCF-style: chr2-179398944-A-G.
Other names: p.Ile31565Thr; c.97475T>C, p.Ile32492Thr (NM_001256850.1); c.75203T>C, p.Ile25068Thr (NM_003319.4); c.94694T>C, p.Ile31565Thr (NM_133378.4); c.75578T>C, p.Ile25193Thr (NM_133432.3); c.75779T>C, p.Ile25260Thr (NM_133437.4); short protein forms I34133T, I31565T, I25068T, I25260T, I25193T, I32492T.
Identifiers: ClinVar variation 596390 (VCV000596390.21), dbSNP rs764179161, ClinGen allele CA1985758.